The following is an entry in ClinVar:

ClinVar aggregate classification (germline): Pathogenic (1 of 4 stars; one submission).

Conditions:
Hereditary breast ovarian cancer syndrome. Also called: Hereditary breast and ovarian cancer; Hereditary breast and ovarian cancer syndrome (HBOC); Breast and ovarian cancer; Hereditary breast and ovarian cancer syndrome; BRCA1- and BRCA2-Associated Hereditary Breast and Ovarian Cancer; Hereditary breast and/or ovarian cancer syndrome. Identifiers: Orphanet 145, MedGen C0677776, MeSH D061325, MONDO:0003582. Disease mechanism: loss of function.

Submission:

Women's Health and Genetics/Laboratory Corporation of America, LabCorp
Classification: Pathogenic for Hereditary breast ovarian cancer syndrome. Last evaluated: 2023-03-13. Review status: criteria provided, single submitter. Criteria: LabCorp Variant Classification Summary - May 2015. Collection method: clinical testing. Allele origin: germline.
Comment: Variant summary: BRCA2 c.8589dupA (p.Ala2864SerfsX5) results in a premature termination codon, predicted to cause a truncation of the encoded protein or absence of the protein due to nonsense mediated decay, which are commonly known mechanisms for disease. Truncations downstream of this position have been classified as pathogenic by our laboratory. The variant was absent in 251178 control chromosomes (gnomAD v2.1 and publication data). c.8589dupA has been reported in the literature in individuals affected with Hereditary Breast and Ovarian Cancer or Prostate Cancer, predominantly of Japanese origin (Ikeda_2001, Nakamura_2013, Arai_2018, Momozawa_2020). These data indicate that the variant is likely to be associated with disease. No clinical diagnostic laboratories have submitted clinical-significance assessments for this variant to ClinVar after 2014. Based on the evidence outlined above, the variant was classified as pathogenic.

Literature cited by the submitters: PubMed 24249303; PubMed 11149425; PubMed 29176636; PubMed 31214711.

NM_000059.4(BRCA2):c.8589dup (p.Ala2864fs)

Gene: BRCA2 (BRCA2 DNA repair associated; plus strand). Cytogenetic location: 13q13.1.
Variant type: Duplication.
Coding change: c.8589dup on transcript NM_000059.4 (MANE Select); coding-DNA position 8589, one base duplicated (A; older notation c.8589dupA).
Protein change: p.Ala2864fs; shifts the reading frame from alanine 2864.
Molecular consequence: frameshift variant.
Genome position (GRCh38, 1-based): chr13:32,371,057, A duplicated; the last of 2 consecutive A bases (chr13:32,371,056-32,371,057); duplicating either gives the same sequence. VCF-style (leftmost placement, unchanged base first): chr13-32371055-G-GA. GRCh37 (hg19) VCF-style: chr13-32945192-G-GA.
Other names: c.8589dupA (NM_000059.3); short protein forms A2864fs.
Identifiers: ClinVar variation 633128 (VCV000633128.4), dbSNP rs1566249353, ClinGen allele CA658761177.
Genomic context (GRCh38, chr13:32,371,055, plus strand): 5'-AATGAAAGAGAGGAAGAAAAGGAAGCAGCAAAATATGTGGAGGCCCAACAAAAGAGACTA[G>GA]AAGCCTTATTCACTAAAATTCAGGAGGAATTTGAAGAACATGAAGGTAAAATTAGTTATA-3'